The following is an entry in ClinVar:

NM_014806.5(RUSC2):c.2887del (p.Asp963fs)

Gene: RUSC2 (RUN and SH3 domain containing 2; plus strand). Cytogenetic location: 9p13.3.
Variant type: Deletion.
Coding change: c.2887del on transcript NM_014806.5 (MANE Select); coding-DNA position 2887, one base deleted (G; older notation c.2887delG).
Protein change: p.Asp963fs; shifts the reading frame from aspartic acid 963.
Molecular consequence: frameshift variant. On other transcripts: non-coding transcript variant (1).
Genome position (GRCh38, 1-based): chr9:35,556,352, G deleted; the last of 2 consecutive G bases (chr9:35,556,351-35,556,352); deleting either gives the same sequence. VCF-style (leftmost placement, unchanged base first): chr9-35556350-AG-A. GRCh37 (hg19) VCF-style: chr9-35556347-AG-A.
Other names: c.2887del, p.Asp963fs (NM_001135999.2); c.253del, p.Asp85fs (NM_001330740.2); short protein forms D85fs, D963fs.
Identifiers: ClinVar variation 2103435 (VCV002103435.4), dbSNP rs2490405997, ClinGen allele CA2580080510.
Genomic context (GRCh38, chr9:35,556,350, plus strand): 5'-TTTTTCTCTTCTTTCCAGGCCAAGCAGTGAAGCCGTTACCACTGACCTGCCCTGACTTCC[AG>A]GACCCCTTTTCCTTGACGGAGAAGCCTCCAGCTGAGTTTTGTCTGTCCCCAGATGGCAGC-3'

ClinVar aggregate classification (germline): Pathogenic (1 of 4 stars; one submission).

Submission:

Labcorp Genetics (formerly Invitae), Labcorp
Classification: Pathogenic. Last evaluated: 2022-11-01. Review status: criteria provided, single submitter. Criteria: Invitae Variant Classification Sherloc (09022015). Collection method: clinical testing. Allele origin: germline.
Comment: This variant has not been reported in the literature in individuals affected with RUSC2-related conditions. For these reasons, this variant has been classified as Pathogenic. This variant is not present in population databases (gnomAD no frequency). This sequence change creates a premature translational stop signal (p.Asp963Thrfs*5) in the RUSC2 gene. It is expected to result in an absent or disrupted protein product. Loss-of-function variants in RUSC2 are known to be pathogenic (PMID: 27612186).

Literature cited by the submitters: PubMed 27612186.